The following is an entry in ClinVar:

ClinVar aggregate classification (germline): Uncertain significance (1 of 4 stars; one submission).

Submission:

Labcorp Genetics (formerly Invitae), Labcorp
Classification: Uncertain significance. Last evaluated: 2025-08-18. Review status: criteria provided, single submitter. Criteria: Invitae Variant Classification Sherloc (09022015). Collection method: clinical testing. Allele origin: germline.
Comment: This sequence change replaces cysteine, which is neutral and slightly polar, with arginine, which is basic and polar, at codon 283 of the CACNA1B protein (p.Cys283Arg). This variant is not present in population databases (gnomAD no frequency). This variant has not been reported in the literature in individuals affected with CACNA1B-related conditions. ClinVar contains an entry for this variant (Variation ID: 1975436). Invitae Evidence Modeling of protein sequence and biophysical properties (such as structural, functional, and spatial information, amino acid conservation, physicochemical variation, residue mobility, and thermodynamic stability) indicates that this missense variant is expected to disrupt CACNA1B protein function with a positive predictive value of 80%. In summary, the available evidence is currently insufficient to determine the role of this variant in disease. Therefore, it has been classified as a Variant of Uncertain Significance.

NM_000718.4(CACNA1B):c.847T>C (p.Cys283Arg)

Gene: CACNA1B (calcium voltage-gated channel subunit alpha1 B; plus strand). Cytogenetic location: 9q34.3.
Variant type: single nucleotide variant.
Coding change: c.847T>C on transcript NM_000718.4 (MANE Select); coding-DNA position 847, T replaced by C.
Protein change: p.Cys283Arg; replaces cysteine 283 with arginine.
Molecular consequence: missense variant.
Genome position (GRCh38, 1-based): chr9:137,917,312, T>C. VCF-style: chr9-137917312-T-C. GRCh37 (hg19) VCF-style: chr9-140811764-T-C.
Other names: c.847T>C, p.Cys283Arg (NM_001243812.2); short protein forms C283R.
Identifiers: ClinVar variation 1975436 (VCV001975436.5), dbSNP rs2539149193, ClinGen allele CA375805138.